The following is an entry in ClinVar:

ClinVar aggregate classification (germline): Uncertain significance (1 of 4 stars; one submission).

Submission:

GeneDx
Classification: Uncertain significance. Last evaluated: 2025-02-11. Review status: criteria provided, single submitter. Criteria: GeneDx Variant Classification Process June 2021. Collection method: clinical testing. Allele origin: germline. Affected: yes.
Comment: Not observed at significant frequency in large population cohorts (gnomAD); In silico analysis supports that this missense variant has a deleterious effect on protein structure/function; Has not been previously published as pathogenic or benign to our knowledge

NM_013450.4(BAZ2B):c.4675T>A (p.Trp1559Arg)

Genes: BAZ2B (bromodomain adjacent to zinc finger domain 2B; minus strand), LOC126806390 (CDK7 strongly-dependent group 2 enhancer GRCh37_chr2:160205700-160206899; plus strand). Cytogenetic location: 2q24.2.
Variant type: single nucleotide variant.
Coding change: c.4675T>A on transcript NM_013450.4 (MANE Select); coding-DNA position 4675, T replaced by A.
Protein change: p.Trp1559Arg; replaces tryptophan 1559 with arginine.
Molecular consequence: missense variant.
Genome position (GRCh38, 1-based): chr2:159,349,896, A>T on the plus strand (T>A on the coding strand, the complement: BAZ2B is on the minus strand). VCF-style: chr2-159349896-A-T. GRCh37 (hg19) VCF-style: chr2-160206407-A-T.
Other names: c.4567T>A, p.Trp1523Arg (NM_001289975.1); c.4513T>A, p.Trp1505Arg (NM_001329857.2); c.4600T>A, p.Trp1534Arg (NM_001329858.2); short protein forms W1505R, W1523R, W1534R, W1559R.
Identifiers: ClinVar variation 4077207 (VCV004077207.1).